The following is an entry in ClinVar:

ClinVar aggregate classification (germline): Uncertain significance. Review status: criteria provided, multiple submitters, no conflicts (2 of 4 stars). 2 submissions from 2 submitters: Uncertain significance (2). Last evaluated 2024-11-27.

Allele frequency attached by ClinVar (database versions not stated): gnomAD exomes below 0.00001.
gnomAD v4.1: 1 of 1,614,158 alleles (0.000062%); highest among the groups gnomAD compares: Non-Finnish European, 0.000085%; no homozygotes.

Submissions (2):

GeneDx
Classification: Uncertain significance. Last evaluated: 2024-11-27. Review status: criteria provided, single submitter. Criteria: GeneDx Variant Classification Process June 2021. Collection method: clinical testing. Allele origin: germline. Affected: yes.
Comment: Not observed at significant frequency in large population cohorts (gnomAD); In silico analysis supports that this missense variant has a deleterious effect on protein structure/function; Has not been previously published as pathogenic or benign to our knowledge

Labcorp Genetics (formerly Invitae), Labcorp
Classification: Uncertain significance. Last evaluated: 2023-11-08. Review status: criteria provided, single submitter. Criteria: Invitae Variant Classification Sherloc (09022015). Collection method: clinical testing. Allele origin: germline.
Comment: This sequence change replaces tyrosine, which is neutral and polar, with cysteine, which is neutral and slightly polar, at codon 853 of the MTOR protein (p.Tyr853Cys). This variant is not present in population databases (gnomAD no frequency). This variant has not been reported in the literature in individuals affected with MTOR-related conditions. ClinVar contains an entry for this variant (Variation ID: 1714517). Advanced modeling of protein sequence and biophysical properties (such as structural, functional, and spatial information, amino acid conservation, physicochemical variation, residue mobility, and thermodynamic stability) performed at Invitae indicates that this missense variant is not expected to disrupt MTOR protein function with a negative predictive value of 95%. In summary, the available evidence is currently insufficient to determine the role of this variant in disease. Therefore, it has been classified as a Variant of Uncertain Significance.

NM_004958.4(MTOR):c.2558A>G (p.Tyr853Cys)

Gene: MTOR (mechanistic target of rapamycin kinase; minus strand). Cytogenetic location: 1p36.22.
Variant type: single nucleotide variant.
Coding change: c.2558A>G on transcript NM_004958.4 (MANE Select); coding-DNA position 2558, A replaced by G.
Protein change: p.Tyr853Cys; replaces tyrosine 853 with cysteine.
Molecular consequence: missense variant.
Genome position (GRCh38, 1-based): chr1:11,231,391, T>C on the plus strand (A>G on the coding strand, the complement: MTOR is on the minus strand). VCF-style: chr1-11231391-T-C. GRCh37 (hg19) VCF-style: chr1-11291448-T-C.
Other names: c.2558A>G, p.Tyr853Cys (NM_001386500.1); c.1310A>G, p.Tyr437Cys (NM_001386501.1); short protein forms Y437C, Y853C.
Identifiers: ClinVar variation 1714517 (VCV001714517.6), dbSNP rs2523262449, ClinGen allele CA338382763.